The following is an entry in ClinVar:

ClinVar aggregate classification (germline): Benign/Likely benign. Review status: criteria provided, multiple submitters, no conflicts (2 of 4 stars). 3 submissions from 3 submitters: Benign (1); Likely benign (2). Last evaluated 2026-01-28.

Allele frequency attached by ClinVar (database versions not stated): TOPMed 0.00022; gnomAD exomes 0.00044 and 0.00095; gnomAD 0.00077 and 0.00078; ExAC 0.00081; 1000 Genomes Project 30x 0.00094; 1000 Genomes Project 0.00120.
gnomAD v4.1: 759 of 1,614,184 alleles (0.047%); highest among the groups gnomAD compares: East Asian, 0.29%; 6 homozygotes.

Submissions (3):

Labcorp Genetics (formerly Invitae), Labcorp
Classification: Benign. Last evaluated: 2026-01-28. Review status: criteria provided, single submitter. Criteria: Invitae Variant Classification Sherloc (09022015). Collection method: clinical testing. Allele origin: germline.

Blueprint Genetics
Classification: Likely benign. Last evaluated: 2024-07-16. Review status: criteria provided, single submitter. Criteria: ACMG Guidelines, 2015. Collection method: clinical testing. Allele origin: germline.

GeneDx
Classification: Likely benign. Last evaluated: 2017-01-17. Review status: criteria provided, single submitter. Criteria: GeneDx Variant Classification (06012015). Collection method: clinical testing. Allele origin: germline. Affected: yes.
Comment: This variant is considered likely benign or benign based on one or more of the following criteria: it is a conservative change, it occurs at a poorly conserved position in the protein, it is predicted to be benign by multiple in silico algorithms, and/or has population frequency not consistent with disease.

NM_003383.5(VLDLR):c.943+19T>C

Gene: VLDLR (very low density lipoprotein receptor; plus strand). Cytogenetic location: 9p24.2.
Variant type: single nucleotide variant.
Coding change: c.943+19T>C on transcript NM_003383.5 (MANE Select); 19 bases into the intron after coding-DNA position 943, T replaced by C.
Molecular consequence: intron variant.
Genome position (GRCh38, 1-based): chr9:2,643,769, T>C. VCF-style: chr9-2643769-T-C. GRCh37 (hg19) VCF-style: chr9-2643769-T-C.
Other names: c.943+19T>C (NM_001018056.3); c.820+19T>C (NM_001322225.2, NM_001322226.2).
Identifiers: ClinVar variation 392736 (VCV000392736.10), dbSNP rs144551353, ClinGen allele CA4964678.